The following is an entry in ClinVar:

ClinVar aggregate classification (germline): Pathogenic. Review status: criteria provided, multiple submitters, no conflicts (2 of 4 stars). 2 submissions from 2 submitters: Pathogenic (2). Last evaluated 2025-08-25.

Conditions:
Mowat-Wilson syndrome (MOWS). Also called: Classic Mowat-Wilson Syndrome. Identifiers: Orphanet 2152, MedGen C1856113, MONDO:0009341, OMIM 235730.

Submissions (2):

Daryl Scott Lab, Baylor College of Medicine
Classification: Pathogenic for Mowat-Wilson syndrome. Last evaluated: 2025-08-25. Review status: criteria provided, single submitter. Criteria: ACMG Guidelines, 2015. Collection method: clinical testing. Allele origin: de novo. Affected: yes. Observed: 1 heterozygote.
Comment: PVS1, PS2, PM2

Genetic Services Laboratory, University of Chicago
Classification: Pathogenic for Mowat-Wilson syndrome. Last evaluated: 2015-10-02. Review status: criteria provided, single submitter. Criteria: ACMG Guidelines, 2015. Collection method: clinical testing. Allele origin: germline. Affected: yes.

NM_014795.4(ZEB2):c.2072G>A (p.Trp691Ter)

Gene: ZEB2 (zinc finger E-box binding homeobox 2; minus strand). Cytogenetic location: 2q22.3.
Variant type: single nucleotide variant.
Coding change: c.2072G>A on transcript NM_014795.4 (MANE Select); coding-DNA position 2072, G replaced by A.
Protein change: p.Trp691Ter; replaces tryptophan 691 with a stop codon.
Molecular consequence: nonsense.
Genome position (GRCh38, 1-based): chr2:144,399,115, C>T on the plus strand (G>A on the coding strand, the complement: ZEB2 is on the minus strand). VCF-style: chr2-144399115-C-T. GRCh37 (hg19) VCF-style: chr2-145156682-C-T.
Other names: c.2000G>A, p.Trp667Ter (NM_001171653.2); short protein forms W691*, W667*.
Identifiers: ClinVar variation 437332 (VCV000437332.7), dbSNP rs1553961610, ClinGen allele CA348709097.
Genomic context (GRCh38, chr2:144,399,115, plus strand): 5'-CTTCTTTCCAGGGATGGGGACCTGGAATTTGAGTACTGGTAGACTTTTCGTTGTTCAAAC[C>T]ATTCCTTCACAAATTCCTGAGGAAGGCCCACAGCAATGGAAATTTTCAGCAGTTCATCGG-3'